The following is an entry in ClinVar:

ClinVar aggregate classification (germline): Conflicting classifications of pathogenicity. Review status: criteria provided, conflicting classifications (1 of 4 stars). 2 submissions from 2 submitters: Uncertain significance (1); Likely benign (1). Last evaluated 2024-07-08.

Conditions:
Autosomal recessive limb-girdle muscular dystrophy type 2D (LGMDR3). Also called: MUSCULAR DYSTROPHY, LIMB-GIRDLE, AUTOSOMAL RECESSIVE 3; ADHALINOPATHY, PRIMARY; DUCHENNE-LIKE AUTOSOMAL RECESSIVE MUSCULAR DYSTROPHY, TYPE 2. Identifiers: Orphanet 62, MedGen C2936332, MONDO:0011968, OMIM 608099. Disease mechanism: Affects gamma-sarcoglycan and also disrupts the integrity of the entire sarcoglycan complex..

Allele frequency attached by ClinVar (database versions not stated): TOPMed below 0.00001; gnomAD 0.00001; gnomAD exomes 0.00003.
gnomAD v4.1: 43 of 1,612,058 alleles (0.0027%); highest among the groups gnomAD compares: Non-Finnish European, 0.0036%; no homozygotes.

Submissions (2):

Blueprint Genetics
Classification: Likely benign. Last evaluated: 2024-07-08. Review status: criteria provided, single submitter. Criteria: ACMG Guidelines, 2015. Collection method: clinical testing. Allele origin: germline.

Labcorp Genetics (formerly Invitae), Labcorp
Classification: Uncertain significance for Autosomal recessive limb-girdle muscular dystrophy type 2D. Last evaluated: 2023-07-06. Review status: criteria provided, single submitter. Criteria: Invitae Variant Classification Sherloc (09022015). Collection method: clinical testing. Allele origin: germline.
Comment: This variant is present in population databases (no rsID available, gnomAD 0.002%). In summary, the available evidence is currently insufficient to determine the role of this variant in disease. Therefore, it has been classified as a Variant of Uncertain Significance. Variants that disrupt the consensus splice site are a relatively common cause of aberrant splicing (PMID: 17576681, 9536098). Algorithms developed to predict the effect of sequence changes on RNA splicing suggest that this variant is not likely to affect RNA splicing. ClinVar contains an entry for this variant (Variation ID: 1983002). This variant has not been reported in the literature in individuals affected with SGCA-related conditions. This sequence change falls in intron 4 of the SGCA gene. It does not directly change the encoded amino acid sequence of the SGCA protein. It affects a nucleotide within the consensus splice site.

Literature cited by the submitters: PubMed 17576681 (cited by Labcorp Genetics (formerly Invitae), Labcorp); PubMed 9536098 (cited by Labcorp Genetics (formerly Invitae), Labcorp).

NM_000023.4(SGCA):c.385+5C>T

Gene: SGCA (sarcoglycan alpha; plus strand). Cytogenetic location: 17q21.33.
Variant type: single nucleotide variant.
Coding change: c.385+5C>T on transcript NM_000023.4 (MANE Select); 5 bases into the intron after coding-DNA position 385, C replaced by T.
Molecular consequence: intron variant.
Genome position (GRCh38, 1-based): chr17:50,168,024, C>T. VCF-style: chr17-50168024-C-T. GRCh37 (hg19) VCF-style: chr17-48245385-C-T.
Other names: c.385+5C>T (NM_001135697.3).
Identifiers: ClinVar variation 1983002 (VCV001983002.3), dbSNP rs1235340582, ClinGen allele CA626689212.